The following is an entry in ClinVar:

ClinVar aggregate classification (germline): Pathogenic (1 of 4 stars; one submission).

Submission:

GeneDx
Classification: Pathogenic. Last evaluated: 2024-03-29. Review status: criteria provided, single submitter. Criteria: GeneDx Variant Classification Process June 2021. Collection method: clinical testing. Allele origin: germline. Affected: yes.
Comment: Not observed at significant frequency in large population cohorts (gnomAD); In silico analysis supports that this missense variant has a deleterious effect on protein structure/function; Has not been previously published as pathogenic or benign to our knowledge; This variant is associated with the following publications: (PMID: 34657190)

NM_012062.5(DNM1L):c.1109T>C (p.Phe370Ser)

Gene: DNM1L (dynamin 1 like; plus strand). Cytogenetic location: 12p11.21.
Variant type: single nucleotide variant.
Coding change: c.1109T>C on transcript NM_012062.5 (MANE Select); coding-DNA position 1109, T replaced by C.
Protein change: p.Phe370Ser; replaces phenylalanine 370 with serine.
Molecular consequence: missense variant.
Genome position (GRCh38, 1-based): chr12:32,731,043, T>C. VCF-style: chr12-32731043-T-C. GRCh37 (hg19) VCF-style: chr12-32883977-T-C.
Other names: c.1109T>C, p.Phe370Ser (NM_001278463.2, NM_005690.5, NM_012063.4); c.1148T>C, p.Phe383Ser (NM_001278464.2, NM_001278465.2, NM_001330380.2); c.500T>C, p.Phe167Ser (NM_001278466.2); short protein forms F167S, F370S, F383S.
Identifiers: ClinVar variation 3343933 (VCV003343933.1).